The following is an entry in ClinVar:

ClinVar aggregate classification (germline): Conflicting classifications of pathogenicity. Review status: criteria provided, conflicting classifications (1 of 4 stars). 2 submissions from 2 submitters: Pathogenic (1); Uncertain significance (1). Last evaluated 2019-07-31.

Conditions:
Sotos syndrome (SOTOS). Also called: CEREBRAL GIGANTISM; Sotos' syndrome; CHROMOSOME 5q35 DELETION SYNDROME; SOTOS SYNDROME 1; Distinctive facial appearance, overgrowth in childhood, and learning disabilities or delayed development. Identifiers: Orphanet 821, MedGen C0175695, MONDO:0019349, OMIM 117550.

Allele frequency attached by ClinVar (database versions not stated): ExAC 0.00001; gnomAD exomes 0.00001.

Submissions (2):

Institute of Human Genetics, University of Leipzig Medical Center
Classification: Uncertain significance for Sotos syndrome. Last evaluated: 2019-07-31. Review status: criteria provided, single submitter. Criteria: ACMG Guidelines, 2015. Collection method: clinical testing. Allele origin: germline. Affected: yes. Observed: 1 variant allele.

Department of Medical Genetics, Hunan Children's Hospital
Classification: Pathogenic for Sotos syndrome. Review status: criteria provided, single submitter. Criteria: ACMG Guidelines, 2015. Collection method: clinical testing. Allele origin: germline. Inheritance: Autosomal dominant inheritance. Affected: yes.
Comment: 1.Exonic hotspot 29 pathogenic or likely pathogenic reported variants were found in a 234bp region surrounding this variant in exon 18 within the region 176707577-176707811 without any missense benign variants -PM1; 2.Gnomad constraint of missense upper Z-score for gene is greater than 3.09-PP2; 3.Extremely low frequency in gnomAD population databases-PM2_P; 4.Aggregated score predicts a deleterious effect ,Aggregated score: 0.853,-PP3_M

Literature cited by the submitters: PubMed 36550402 (cited by Department of Medical Genetics, Hunan Children's Hospital).

NM_022455.5(NSD1):c.5843G>A (p.Arg1948His)

Gene: NSD1 (nuclear receptor binding SET domain protein 1; plus strand). Cytogenetic location: 5q35.3.
Variant type: single nucleotide variant.
Coding change: c.5843G>A on transcript NM_022455.5 (MANE Select); coding-DNA position 5843, G replaced by A.
Protein change: p.Arg1948His; replaces arginine 1948 with histidine.
Molecular consequence: missense variant.
Genome position (GRCh38, 1-based): chr5:177,280,785, G>A. VCF-style: chr5-177280785-G-A. GRCh37 (hg19) VCF-style: chr5-176707786-G-A.
Other names: c.4970G>A, p.Arg1657His (NM_001365684.2, NM_001409308.1, NM_001409309.1 and 1 more transcripts); c.5843G>A, p.Arg1948His (NM_001409301.1, NM_001409302.1, NM_001409303.1); c.5423G>A, p.Arg1808His (NM_001409304.1); c.5090G>A, p.Arg1697His (NM_001409305.1); c.5081G>A, p.Arg1694His (NM_001409306.1, NM_001409307.1); short protein forms R1679H, R1948H, R1694H, R1808H, R1657H, R1697H.
Identifiers: ClinVar variation 976318 (VCV000976318.2), dbSNP rs746726463, ClinGen allele CA3577896.
Genomic context (GRCh38, chr5:177,280,785, plus strand): 5'-GAGGGCGCTGTCAAAACCAGTGCTTTTCCAAGCGCCAATATCCAGAGGTTGAAATTTTCC[G>A]CACATTACAGCGGGGTTGGGGTCTACGGACAAAAACAGATATTAAAAAGGTTAGAAAAAG-3'
Protein context (NP_071900.2, residues 1938-1958): KRQYPEVEIF[Arg1948His]TLQRGWGLRT